The following is an entry in ClinVar:

NM_000257.4(MYH7):c.3630G>A (p.Leu1210=)

Gene: MYH7 (myosin heavy chain 7; minus strand). Cytogenetic location: 14q11.2.
Variant type: single nucleotide variant.
Coding change: c.3630G>A on transcript NM_000257.4 (MANE Select); coding-DNA position 3630, G replaced by A.
Protein change: p.Leu1210=; no amino-acid change (leucine 1210 retained).
Molecular consequence: synonymous variant.
Genome position (GRCh38, 1-based): chr14:23,419,941, C>T on the plus strand (G>A on the coding strand, the complement: MYH7 is on the minus strand). VCF-style: chr14-23419941-C-T. GRCh37 (hg19) VCF-style: chr14-23889150-C-T.
Other names: c.3630G>A, p.Leu1210= (NM_001407004.1).
Identifiers: ClinVar variation 3071656 (VCV003071656.2), dbSNP rs2502263937, ClinGen allele CA485766675.
Genomic context (GRCh38, chr14:23,419,941, plus strand): 5'-GTCATCCAGCTCCAGCTTGAACTCGCTCTTCTCCTTCTCCAGCTTCTGCTTCACCCGCTG[C>T]AGGTTGTCGATCTGCTCGCCCAGCTCGGCCACGCTGTCGGCGTGCTTCTTGCGCAGGGCC-3'
Protein context (NP_000248.2, residues 1200-1220): VAELGEQIDN[Leu1210=]QRVKQKLEKE

ClinVar aggregate classification (germline): Likely benign. Review status: criteria provided, multiple submitters, no conflicts (2 of 4 stars). 2 submissions from 2 submitters: Likely benign (2). Last evaluated 2025-07-29.

Conditions:
Cardiomyopathy (CMYO). Also called: Cardiomyopathies. Identifiers: Orphanet 167848, MedGen C0878544, MONDO:0004994, HP:0001638. Inheritance: Various modes of inheritance.
Hypertrophic cardiomyopathy. Also called: HYPERTROPHIC MYOCARDIOPATHY. Identifiers: Orphanet 217569, MedGen C0007194, MeSH D002312, MONDO:0005045, HP:0001639.

Submissions (2):

Labcorp Genetics (formerly Invitae), Labcorp
Classification: Likely benign for Hypertrophic cardiomyopathy. Last evaluated: 2025-07-29. Review status: criteria provided, single submitter. Criteria: Invitae Variant Classification Sherloc (09022015). Collection method: clinical testing. Allele origin: germline.

All of Us Research Program, National Institutes of Health
Classification: Likely benign for Cardiomyopathy. Last evaluated: 2023-06-08. Review status: criteria provided, single submitter. Criteria: ACMG Guidelines, 2015. Collection method: clinical testing. Allele origin: germline. Inheritance: Autosomal dominant inheritance. Observed: 1 variant allele, 1 heterozygote.
Comment: This study involves interpretation of variants in research participants for the purpose of population health screening. Participant phenotype was not available at the time of variant classification. Additional details can be found in publication PMID: 35346344, PMCID: PMC8962531